The following is an entry in ClinVar:

ClinVar aggregate classification (germline): Uncertain significance (1 of 4 stars; one submission).

Conditions:
Lissencephaly 9 with complex brainstem malformation. Identifiers: Orphanet 572013, MedGen C5193029, MONDO:0032677, OMIM 618325.

gnomAD v4.1: 1 of 1,570,604 alleles (0.000064%); highest among the groups gnomAD compares: Non-Finnish European, 0.000087%; no homozygotes.

Submission:

Dasa
Classification: Uncertain significance for Lissencephaly 9 with complex brainstem malformation. Last evaluated: 2025-09-03. Review status: criteria provided, single submitter. Criteria: DASA Assertion Criteria. Collection method: clinical testing. Allele origin: germline.
Comment: NM_001394062.1(MACF1):c.22170+5G>A is a splice-region variant. This variant is rare in population databases. Computational prediction algorithms are consistent with a benign effect. The currently available literature and clinical evidence are not sufficient to establish a definitive association between this variant and the reported condition. Therefore, this variant is classified as a variant of uncertain significance.

NM_001394062.1(MACF1):c.22170+5G>A

Gene: MACF1 (microtubule actin crosslinking factor 1; plus strand). Cytogenetic location: 1p34.3.
Variant type: single nucleotide variant.
Coding change: c.22170+5G>A on transcript NM_001394062.1 (MANE Select); 5 bases into the intron after coding-DNA position 22170, G replaced by A.
Molecular consequence: intron variant.
Genome position (GRCh38, 1-based): chr1:39,480,014, G>A. VCF-style: chr1-39480014-G-A. GRCh37 (hg19) VCF-style: chr1-39945686-G-A.
Other names: c.15906+5G>A (NM_012090.5); c.10161+5G>A (NM_001397473.1).
Identifiers: ClinVar variation 4881695 (VCV004881695.2).
Genomic context (GRCh38, chr1:39,480,014, plus strand): 5'-ACCACAGCTGTACATCCATGCCATCTTCTCCAGCCACCCCAGCCAGTGGAACCAAGGTAT[G>A]TACTGATCTCCATTATGCCCTTCTTCCCCAATCCCACCCTCACAGATGTTCATTGTTCAC-3'